The following is an entry in ClinVar:

ClinVar aggregate classification (germline): Uncertain significance (1 of 4 stars; one submission).

Allele frequency attached by ClinVar (database versions not stated): gnomAD exomes below 0.00001.
gnomAD v4.1: 1 of 1,614,116 alleles (0.000062%); highest among the groups gnomAD compares: Non-Finnish European, 0.000085%; no homozygotes.

Submission:

Labcorp Genetics (formerly Invitae), Labcorp
Classification: Uncertain significance. Last evaluated: 2021-10-22. Review status: criteria provided, single submitter. Criteria: Invitae Variant Classification Sherloc (09022015). Collection method: clinical testing. Allele origin: germline.
Comment: This sequence change replaces histidine with tyrosine at codon 1077 of the SETBP1 protein (p.His1077Tyr). The histidine residue is highly conserved and there is a moderate physicochemical difference between histidine and tyrosine. This variant is not present in population databases (ExAC no frequency). This variant has not been reported in the literature in individuals affected with SETBP1-related conditions. Algorithms developed to predict the effect of missense changes on protein structure and function are either unavailable or do not agree on the potential impact of this missense change (SIFT: "Deleterious"; PolyPhen-2: "Probably Damaging"; Align-GVGD: "Class C0"). In summary, the available evidence is currently insufficient to determine the role of this variant in disease. Therefore, it has been classified as a Variant of Uncertain Significance.

NM_015559.3(SETBP1):c.3229C>T (p.His1077Tyr)

Gene: SETBP1 (SET binding protein 1; plus strand). Cytogenetic location: 18q12.3.
Variant type: single nucleotide variant.
Coding change: c.3229C>T on transcript NM_015559.3 (MANE Select); coding-DNA position 3229, C replaced by T.
Protein change: p.His1077Tyr; replaces histidine 1077 with tyrosine.
Molecular consequence: missense variant.
Genome position (GRCh38, 1-based): chr18:44,952,569, C>T. VCF-style: chr18-44952569-C-T. GRCh37 (hg19) VCF-style: chr18-42532534-C-T.
Other names: c.3229C>T, p.His1077Tyr (NM_001379141.1, NM_001379142.1); short protein forms H1077Y.
Identifiers: ClinVar variation 1388696 (VCV001388696.6), dbSNP rs2145110964, ClinGen allele CA402323933.